The following is an entry in ClinVar:

ClinVar aggregate classification (germline): Uncertain significance (1 of 4 stars; one submission).

Conditions:
Cardiovascular phenotype. Identifiers: MedGen CN230736.

Submission:

Ambry Genetics
Classification: Uncertain significance for Cardiovascular phenotype. Last evaluated: 2021-12-02. Review status: criteria provided, single submitter. Criteria: Ambry Variant Classification Scheme 2023. Collection method: clinical testing. Allele origin: germline.
Comment: The p.E3236Q variant (also known as c.9706G>C), located in coding exon 26 of the APOB gene, results from a G to C substitution at nucleotide position 9706. The glutamic acid at codon 3236 is replaced by glutamine, an amino acid with highly similar properties. This amino acid position is conserved. In addition, this alteration is predicted to be tolerated by in silico analysis. Since supporting evidence is limited at this time, the clinical significance of this alteration remains unclear.

NM_000384.3(APOB):c.9706G>C (p.Glu3236Gln)

Gene: APOB (apolipoprotein B; minus strand). Cytogenetic location: 2p24.1.
Variant type: single nucleotide variant.
Coding change: c.9706G>C on transcript NM_000384.3 (MANE Select); coding-DNA position 9706, G replaced by C.
Protein change: p.Glu3236Gln; replaces glutamic acid 3236 with glutamine.
Molecular consequence: missense variant.
Genome position (GRCh38, 1-based): chr2:21,007,162, C>G on the plus strand (G>C on the coding strand, the complement: APOB is on the minus strand). VCF-style: chr2-21007162-C-G. GRCh37 (hg19) VCF-style: chr2-21230034-C-G.
Other names: short protein forms E3236Q.
Identifiers: ClinVar variation 1767926 (VCV001767926.2), dbSNP rs1422346794, ClinGen allele CA345989157.